The following is an entry in ClinVar:

ClinVar aggregate classification (germline): Uncertain significance. Review status: reviewed by expert panel (3 of 4 stars). 3 submissions from 3 submitters: Uncertain significance (1). 2 of the submissions do not count toward it. Last evaluated 2025-01-07.

Conditions:
Mitochondrial disease. Also called: Mitochondrial disorder; Mitochondrial disorders. Identifiers: Orphanet 68380, MedGen C0751651, MeSH D028361, MONDO:0044970.
MELAS syndrome (MELAS). Also called: Juvenile myopathy, encephalopathy, lactic acidosis, stroke. Identifiers: Orphanet 550, MedGen C0162671, MONDO:0010789, OMIM 540000.

Submissions (3):

ClinGen Mitochondrial Disease Nuclear and Mitochondrial  Variant Curation Expert Panel, ClinGen
Classification: Uncertain significance for Mitochondrial disease. Last evaluated: 2025-01-07. Review status: reviewed by expert panel. Criteria: clingen mito disease acmg specifications v1-1. Collection method: curation. Allele origin: germline. Inheritance: Mitochondrial inheritance.
Comment: The m.12258C>T variant in MT-TS2 has been reported in one individual with primary mitochondrial disease to date however clinical details were not provided (PMID: 31965079). There are no reports of large families with this variant segregating with disease. There are no reported de novo occurrences of this variant to our knowledge. Another variant at this position was classified by this Expert Panel as likely pathogenic (m.12258C>A; PM5_supporting). There is one heteroplasmic occurrence of this variant in the Helix dataset and this variant is absent in the MITOMAP GenBank dataset and in gnomAD v3.1.2 (PM2_supporting). In silico predictors are conflicting as the computational predictor MitoTIP suggests this variant is pathogenic (81.5 percentile) but HmtVAR predicts it to be neutral with a score of 0.05. There are no cybrids, single fiber studies, or other functional assays reported on this variant. In summary, this variant meets criteria to be classified as uncertain significance for primary mitochondrial disease inherited in a mitochondrial manner. This classification was approved by the NICHD/NINDS U24 ClinGen Mitochondrial Disease Variant Curation Expert Panel on January 7, 2025. Mitochondrial DNA-specific ACMG/AMP criteria applied (PMID: 32906214): PM2_supporting, PM5_supporting.

Mendelics
Classification: Pathogenic for MELAS syndrome. Last evaluated: 2022-05-04. Review status: criteria provided, single submitter. Criteria: Mendelics Assertion Criteria 2019. Collection method: clinical testing. Allele origin: germline. Not counted in ClinVar's aggregate classification.

Wong Mito Lab, Molecular and Human Genetics, Baylor College of Medicine
Classification: Likely pathogenic for MELAS syndrome. Last evaluated: 2019-07-12. Review status: criteria provided, single submitter. Criteria: Modified ACMG Guidelines (Unpublished). Collection method: clinical testing. Allele origin: germline. Not counted in ClinVar's aggregate classification.
Comment: The NC_012920.1:m.12258C>T variant in MT-TS2 gene is interpreted to be a Likely Pathogenic variant based on the modified ACMG guidelines (unpublished). This variant meets the following evidence codes reported in the guidelines: PM5, PM7, PP6, PP7

Literature cited by the submitters: PubMed 31965079 (cited by Wong Mito Lab, Molecular and Human Genetics, Baylor College of Medicine).

NC_012920.1(MT-TS2):m.12258C>T

Gene: MT-TS2 (mitochondrially encoded tRNA serine 2 (AGU/C); plus strand).
Variant type: single nucleotide variant.
Genome position: chrM-12258-C-T.
Identifiers: ClinVar variation 690177 (VCV000690177.2), dbSNP rs118203888, ClinGen allele CA913169888.